The following is an entry in ClinVar:

ClinVar aggregate classification (germline): Uncertain significance (1 of 4 stars; one submission).

Conditions:
Familial hypercholesterolemia. Also called: Familial hypercholesterolaemia. Identifiers: MedGen C0020445, MONDO:0005439.

gnomAD v4.1: 4 of 1,614,230 alleles (0.00025%); highest among the groups gnomAD compares: Non-Finnish European, 0.00034%; no homozygotes.

Submission:

Cambridge Genomics Laboratory, East Genomic Laboratory Hub, NHS Genomic Medicine Service
Classification: Uncertain significance for Familial hypercholesterolaemia. Last evaluated: 2025-09-11. Review status: criteria provided, single submitter. Criteria: ACGS Best Practice Guidelines for Variant Classification in Rare Disease 2020. Collection method: clinical testing. Allele origin: germline. Affected: yes.
Comment: PM2,PP3,PP4

NM_015627.3(LDLRAP1):c.301G>C (p.Asp101His)

Gene: LDLRAP1 (low density lipoprotein receptor adaptor protein 1; plus strand). Cytogenetic location: 1p36.11.
Variant type: single nucleotide variant.
Coding change: c.301G>C on transcript NM_015627.3 (MANE Select); coding-DNA position 301, G replaced by C.
Protein change: p.Asp101His; replaces aspartic acid 101 with histidine.
Molecular consequence: missense variant.
Genome position (GRCh38, 1-based): chr1:25,554,929, G>C. VCF-style: chr1-25554929-G-C. GRCh37 (hg19) VCF-style: chr1-25881420-G-C.
Other names: short protein forms D101H.
Identifiers: ClinVar variation 4540601 (VCV004540601.1).